The following is an entry in ClinVar:

NM_001048174.2(MUTYH):c.803T>A (p.Leu268Gln)

Gene: MUTYH (mutY DNA glycosylase; minus strand). Cytogenetic location: 1p34.1.
Variant type: single nucleotide variant.
Coding change: c.803T>A on transcript NM_001048174.2 (MANE Select); coding-DNA position 803, T replaced by A.
Protein change: p.Leu268Gln; replaces leucine 268 with glutamine.
Molecular consequence: missense variant. On other transcripts: non-coding transcript variant (7).
Genome position (GRCh38, 1-based): chr1:45,332,212, A>T on the plus strand (T>A on the coding strand, the complement: MUTYH is on the minus strand). VCF-style: chr1-45332212-A-T. GRCh37 (hg19) VCF-style: chr1-45797884-A-T.
Other names: c.803T>A, p.Leu268Gln (NM_001048171.2, NM_001048173.2, NM_001407072.1 and 6 more transcripts); c.806T>A, p.Leu269Gln (NM_001048172.2, NM_001407078.1, NM_001407071.1 and 1 more transcripts); c.887T>A, p.Leu296Gln (NM_001128425.2); c.848T>A, p.Leu283Gln (NM_001293190.2); c.719T>A, p.Leu240Gln (NM_001407075.1); c.836T>A, p.Leu279Gln (NM_001407077.1, NM_001293191.2, NM_001407069.1); c.764T>A, p.Leu255Gln (NM_001407079.1); c.761T>A, p.Leu254Gln (NM_001407080.1); and 5 more; short protein forms L240Q, L296Q, L255Q, L268Q, L269Q, L282Q, L153Q, L275Q.
Identifiers: ClinVar variation 4113881 (VCV004113881.1).

ClinVar aggregate classification (germline): Uncertain significance (1 of 4 stars; one submission).

Conditions:
Hereditary cancer-predisposing syndrome. Also called: Hereditary neoplastic syndrome; Neoplastic Syndromes, Hereditary; Tumor predisposition; Hereditary Cancer Syndrome. Identifiers: Orphanet 140162, MedGen C0027672, MeSH D009386, MONDO:0015356.

Submission:

Ambry Genetics
Classification: Uncertain significance for Hereditary cancer-predisposing syndrome. Last evaluated: 2025-08-27. Review status: criteria provided, single submitter. Criteria: Ambry Variant Classification Scheme 2023. Collection method: clinical testing. Allele origin: germline.
Comment: The p.L296Q variant (also known as c.887T>A), located in coding exon 10 of the MUTYH gene, results from a T to A substitution at nucleotide position 887. The leucine at codon 296 is replaced by glutamine, an amino acid with dissimilar properties. This amino acid position is conserved. In addition, the in silico prediction for this alteration is inconclusive. Based on the available evidence, the clinical significance of this variant remains unclear.